The following is an entry in ClinVar:

ClinVar aggregate classification (germline): Uncertain significance (1 of 4 stars; one submission).

Conditions:
Familial thoracic aortic aneurysm and aortic dissection (TAAD). Also called: Thoracic aortic aneurysms and dissections. Identifiers: Orphanet 91387, MedGen C4707243, MONDO:0019625.

Submission:

Labcorp Genetics (formerly Invitae), Labcorp
Classification: Uncertain significance for Familial thoracic aortic aneurysm and aortic dissection. Last evaluated: 2023-09-26. Review status: criteria provided, single submitter. Criteria: Invitae Variant Classification Sherloc (09022015). Collection method: clinical testing. Allele origin: germline.
Comment: This sequence change replaces arginine, which is basic and polar, with lysine, which is basic and polar, at codon 7 of the TGFBR2 protein (p.Arg7Lys). This variant is not present in population databases (gnomAD no frequency). This variant has not been reported in the literature in individuals affected with TGFBR2-related conditions. Advanced modeling of protein sequence and biophysical properties (such as structural, functional, and spatial information, amino acid conservation, physicochemical variation, residue mobility, and thermodynamic stability) performed at Invitae indicates that this missense variant is not expected to disrupt TGFBR2 protein function. In summary, the available evidence is currently insufficient to determine the role of this variant in disease. Therefore, it has been classified as a Variant of Uncertain Significance.

NM_003242.6(TGFBR2):c.20G>A (p.Arg7Lys)

Gene: TGFBR2 (transforming growth factor beta receptor 2; plus strand). Cytogenetic location: 3p24.1.
Variant type: single nucleotide variant.
Coding change: c.20G>A on transcript NM_003242.6 (MANE Select); coding-DNA position 20, G replaced by A.
Protein change: p.Arg7Lys; replaces arginine 7 with lysine.
Molecular consequence: missense variant. On other transcripts: 5 prime UTR variant (4), intron variant (2).
Genome position (GRCh38, 1-based): chr3:30,606,903, G>A. VCF-style: chr3-30606903-G-A. GRCh37 (hg19) VCF-style: chr3-30648395-G-A.
Other names: c.20G>A, p.Arg7Lys (NM_001024847.3, NM_001407126.1, NM_001407127.1 and 4 more transcripts); c.-264G>A (NM_001407133.1); c.-142G>A (NM_001407134.1); c.-189G>A (NM_001407135.1); c.-274G>A (NM_001407136.1); c.-12+310G>A (NM_001407129.1, NM_001407132.1); short protein forms R7K.
Identifiers: ClinVar variation 2788829 (VCV002788829.3), dbSNP rs1697932736, ClinGen allele CA351830489.